The following is an entry in ClinVar:

NM_006059.4(LAMC3):c.4256G>C (p.Arg1419Pro)

Gene: LAMC3 (laminin subunit gamma 3; plus strand). Cytogenetic location: 9q34.12.
Variant type: single nucleotide variant.
Coding change: c.4256G>C on transcript NM_006059.4 (MANE Select); coding-DNA position 4256, G replaced by C.
Protein change: p.Arg1419Pro; replaces arginine 1419 with proline.
Molecular consequence: missense variant.
Genome position (GRCh38, 1-based): chr9:131,087,501, G>C. VCF-style: chr9-131087501-G-C. GRCh37 (hg19) VCF-style: chr9-133962888-G-C.
Other names: short protein forms R1419P.
Identifiers: ClinVar variation 1481924 (VCV001481924.6), dbSNP rs201597071, ClinGen allele CA375265185.
Genomic context (GRCh38, chr9:131,087,501, plus strand): 5'-ACTTCTTCTCCCTGCCACTGCCACCCATCCCATAGCTTGCCAAGGCCTTGCTGAGGGAGC[G>C]GAAACAGGCGCACCGCCGTGCCAGCAGGCTCACCAGCCAGACGCAAGCCACGCTCCAACA-3'
Protein context (NP_006050.3, residues 1409-1429): AKLAKALLRE[Arg1419Pro]KQAHRRASRL

ClinVar aggregate classification (germline): Uncertain significance (1 of 4 stars; one submission).

Submission:

Labcorp Genetics (formerly Invitae), Labcorp
Classification: Uncertain significance. Last evaluated: 2022-11-22. Review status: criteria provided, single submitter. Criteria: Invitae Variant Classification Sherloc (09022015). Collection method: clinical testing. Allele origin: germline.
Comment: ClinVar contains an entry for this variant (Variation ID: 1481924). This variant has not been reported in the literature in individuals affected with LAMC3-related conditions. This variant is not present in population databases (gnomAD no frequency). This sequence change replaces arginine, which is basic and polar, with proline, which is neutral and non-polar, at codon 1419 of the LAMC3 protein (p.Arg1419Pro). Algorithms developed to predict the effect of missense changes on protein structure and function (SIFT, PolyPhen-2, Align-GVGD) all suggest that this variant is likely to be tolerated. In summary, the available evidence is currently insufficient to determine the role of this variant in disease. Therefore, it has been classified as a Variant of Uncertain Significance.